The following is an entry in ClinVar:

NM_000038.6(APC):c.8312G>T (p.Ser2771Ile)

Gene: APC (APC regulator of Wnt signaling pathway; plus strand). Cytogenetic location: 5q22.2.
Variant type: single nucleotide variant.
Coding change: c.8312G>T on transcript NM_000038.6 (MANE Select); coding-DNA position 8312, G replaced by T.
Protein change: p.Ser2771Ile; replaces serine 2771 with isoleucine.
Molecular consequence: missense variant.
Genome position (GRCh38, 1-based): chr5:112,843,906, G>T. VCF-style: chr5-112843906-G-T. GRCh37 (hg19) VCF-style: chr5-112179603-G-T.
Other names: c.8312G>T, p.Ser2771Ile (NM_001127510.3, NM_001354895.2); c.8258G>T, p.Ser2753Ile (NM_001127511.3); c.8366G>T, p.Ser2789Ile (NM_001354896.2); c.8342G>T, p.Ser2781Ile (NM_001354897.2); c.8237G>T, p.Ser2746Ile (NM_001354898.2); c.8228G>T, p.Ser2743Ile (NM_001354899.2); c.8189G>T, p.Ser2730Ile (NM_001354900.2); c.8135G>T, p.Ser2712Ile (NM_001354901.2); and 5 more; short protein forms S2771I, S2753I, S2611I, S2680I, S2730I, S2746I, S2488I, S2712I.
Identifiers: ClinVar variation 537455 (VCV000537455.13), dbSNP rs1554089060, ClinGen allele CA16039371.

ClinVar aggregate classification (germline): Uncertain significance. Review status: criteria provided, multiple submitters, no conflicts (2 of 4 stars). 2 submissions from 2 submitters: Uncertain significance (2). Last evaluated 2025-02-15.

Conditions:
Hereditary cancer-predisposing syndrome. Also called: Tumor predisposition; Hereditary Cancer Syndrome; Hereditary neoplastic syndrome; Neoplastic Syndromes, Hereditary. Identifiers: Orphanet 140162, MedGen C0027672, MeSH D009386, MONDO:0015356.
Familial adenomatous polyposis 1 (FAP1). Also called: FAMILIAL ADENOMATOUS POLYPOSIS 1, ATTENUATED; POLYPOSIS, ADENOMATOUS INTESTINAL. Identifiers: MedGen C2713442, MONDO:0021056, OMIM 175100. Disease mechanism: loss of function.

Submissions (2):

Ambry Genetics
Classification: Uncertain significance for Hereditary cancer-predisposing syndrome. Last evaluated: 2025-02-15. Review status: criteria provided, single submitter. Criteria: Ambry Variant Classification Scheme 2023. Collection method: clinical testing. Allele origin: germline.
Comment: The p.S2771I variant (also known as c.8312G>T), located in coding exon 15 of the APC gene, results from a G to T substitution at nucleotide position 8312. The serine at codon 2771 is replaced by isoleucine, an amino acid with dissimilar properties. This amino acid position is conserved. In addition, in silico predictors for this gene do not accurately predict pathogenicity. Based on the available evidence, the clinical significance of this variant remains unclear.

Labcorp Genetics (formerly Invitae), Labcorp
Classification: Uncertain significance for Familial adenomatous polyposis 1. Last evaluated: 2019-12-05. Review status: criteria provided, single submitter. Criteria: Invitae Variant Classification Sherloc (09022015). Collection method: clinical testing. Allele origin: germline.
Comment: In summary, the available evidence is currently insufficient to determine the role of this variant in disease. Therefore, it has been classified as a Variant of Uncertain Significance. Algorithms developed to predict the effect of missense changes on protein structure and function do not agree on the potential impact of this missense change (SIFT: "Deleterious"; PolyPhen-2: "Possibly Damaging"; Align-GVGD: "Class C15"). This variant has not been reported in the literature in individuals with APC-related disease. This variant is not present in population databases (ExAC no frequency). This sequence change replaces serine with isoleucine at codon 2771 of the APC protein (p.Ser2771Ile). The serine residue is highly conserved and there is a large physicochemical difference between serine and isoleucine.